The following is an entry in ClinVar:

ClinVar aggregate classification (germline): Uncertain significance (1 of 4 stars; one submission).

Conditions:
TSHR-related disorder. Also called: TSHR-related condition; TSHR-related disorders.

gnomAD v4.1: 45 of 1,614,084 alleles (0.0028%); highest among the groups gnomAD compares: Non-Finnish European, 0.0037%; no homozygotes.

Submission:

PreventionGenetics, part of Exact Sciences
Classification: Uncertain significance for TSHR-related condition. Last evaluated: 2026-09-01. Review status: criteria provided, single submitter. Criteria: ACMG Guidelines, 2015. Collection method: clinical testing. Allele origin: germline.
Comment: The TSHR c.870G>T variant is predicted to result in the amino acid substitution p.Lys290Asn. To our knowledge, this variant has not been reported in the literature. This variant is reported in 0.0035% of alleles in individuals of European (Non-Finnish) descent in gnomAD. At this time, the clinical significance of this variant is uncertain due to the absence of conclusive functional and genetic evidence.

NM_000369.5(TSHR):c.870G>T (p.Lys290Asn)

Genes: TSHR (thyroid stimulating hormone receptor; plus strand), TSHR-AS1 (TSHR antisense RNA 1; minus strand). Cytogenetic location: 14q31.1.
Variant type: single nucleotide variant.
Coding change: c.870G>T on transcript NM_000369.5 (MANE Select); coding-DNA position 870, G replaced by T.
Protein change: p.Lys290Asn; replaces lysine 290 with asparagine.
Molecular consequence: missense variant.
Genome position (GRCh38, 1-based): chr14:81,139,856, G>T. VCF-style: chr14-81139856-G-T. GRCh37 (hg19) VCF-style: chr14-81606200-G-T.
Other names: short protein forms K290N.
Identifiers: ClinVar variation 4985469 (VCV004985469.1).